The following is an entry in ClinVar:

NM_004415.4(DSP):c.597+102G>C

Gene: DSP (desmoplakin; plus strand). Cytogenetic location: 6p24.3.
Variant type: single nucleotide variant.
Coding change: c.597+102G>C on transcript NM_004415.4 (MANE Select); 102 bases into the intron after coding-DNA position 597, G replaced by C.
Molecular consequence: intron variant.
Genome position (GRCh38, 1-based): chr6:7,559,502, G>C. VCF-style: chr6-7559502-G-C. GRCh37 (hg19) VCF-style: chr6-7559735-G-C.
Other names: c.597+102G>C (NM_001319034.2, NM_001008844.3).
Identifiers: ClinVar variation 675402 (VCV000675402.1), dbSNP rs78421687, ClinGen allele CA133951375.

ClinVar aggregate classification (germline): Likely benign (1 of 4 stars; one submission).

Allele frequency attached by ClinVar (database versions not stated): TOPMed 0.01206; 1000 Genomes Project 0.01238; 1000 Genomes Project 30x 0.01405.
gnomAD v4.1: 3,090 of 1,457,044 alleles (0.21%); highest among the groups gnomAD compares: African/African-American, 3.9%; 52 homozygotes.

Submission:

GeneDx
Classification: Likely benign. Last evaluated: 2018-06-14. Review status: criteria provided, single submitter. Criteria: GeneDx Variant Classification (06012015). Collection method: clinical testing. Allele origin: germline. Affected: yes.
Comment: This variant is considered likely benign or benign based on one or more of the following criteria: it is a conservative change, it occurs at a poorly conserved position in the protein, it is predicted to be benign by multiple in silico algorithms, and/or has population frequency not consistent with disease.